The following is an entry in ClinVar:

ClinVar aggregate classification (germline): Uncertain significance (1 of 4 stars; one submission).

Conditions:
Inborn genetic diseases. Identifiers: MedGen C0950123, MeSH D030342.

gnomAD v4.1: 1 of 1,612,412 alleles (0.000062%); no homozygotes.

Submission:

Ambry Genetics
Classification: Uncertain significance for Inborn genetic diseases. Last evaluated: 2022-06-29. Review status: criteria provided, single submitter. Criteria: Ambry Variant Classification Scheme 2023. Collection method: clinical testing. Allele origin: germline.
Comment: The p.I610M variant (also known as c.1830A>G), located in coding exon 16 of the LRRK2 gene, results from an A to G substitution at nucleotide position 1830. The isoleucine at codon 610 is replaced by methionine, an amino acid with highly similar properties. This amino acid position is conserved. In addition, this alteration is predicted to be tolerated by in silico analysis. Since supporting evidence is limited at this time, the clinical significance of this alteration remains unclear.

NM_198578.4(LRRK2):c.1830A>G (p.Ile610Met)

Gene: LRRK2 (leucine rich repeat kinase 2; plus strand). Cytogenetic location: 12q12.
Variant type: single nucleotide variant.
Coding change: c.1830A>G on transcript NM_198578.4 (MANE Select); coding-DNA position 1830, A replaced by G.
Protein change: p.Ile610Met; replaces isoleucine 610 with methionine.
Molecular consequence: missense variant.
Genome position (GRCh38, 1-based): chr12:40,274,882, A>G. VCF-style: chr12-40274882-A-G. GRCh37 (hg19) VCF-style: chr12-40668684-A-G.
Other names: short protein forms I610M.
Identifiers: ClinVar variation 1780933 (VCV001780933.2), dbSNP rs2499624919, ClinGen allele CA384403364.